The following is an entry in ClinVar:

ClinVar aggregate classification (germline): Likely benign (0 of 4 stars; one submission).

Conditions:
BMP5-related disorder. Also called: BMP5-related condition.

Submission:

PreventionGenetics, part of Exact Sciences
Classification: Likely benign for BMP5-related condition. Last evaluated: 2020-01-27. Review status: no assertion criteria provided. Collection method: clinical testing. Allele origin: germline.
Comment: This variant is classified as likely benign based on ACMG/AMP sequence variant interpretation guidelines (Richards et al. 2015 PMID: 25741868, with internal and published modifications).

NM_021073.4(BMP5):c.1105-29GT[11]

Gene: BMP5 (bone morphogenetic protein 5; minus strand). Cytogenetic location: 6p12.1.
Variant type: Microsatellite.
Coding change: c.1105-29GT[11] on transcript NM_021073.4 (MANE Select); 11 copies in a row of the 2-base unit GT starting at c.1105-29; the reference has ten copies in a row; one copy, 2 bases duplicated.
Molecular consequence: intron variant.
Genome position (GRCh38, 1-based): chr6:55,759,125-55,759,126, AC duplicated on the plus strand (GT on the coding strand, the reverse complement: BMP5 is on the minus strand); duplicating any 2 consecutive bases within chr6:55,759,125-55,759,145 gives the same sequence; the position shown is the placement nearest the transcript's 3' end. VCF-style (leftmost placement, unchanged base first): chr6-55759124-T-TAC. GRCh37 (hg19) VCF-style: chr6-55623922-T-TAC.
Other names: c.1028-3462GT[11] (NM_001329756.2); c.1104+1313GT[11] (NM_001329754.2).
Identifiers: ClinVar variation 3060530 (VCV003060530.2), dbSNP rs749127959, ClinGen allele CA3864656.
Genomic context (GRCh38, chr6:55,759,124, plus strand): 5'-ATTCTCCATCACAATAAAATGCAGCGTATCCTTCTGGTGCTATAATCCAGTCCTGACACA[T>TAC]ACACACACACACACACACACAAAAAAAAAAAAAAAAAAAAAAAAAAAAAAAAAAAAAAAC-3'